The following is an entry in ClinVar:

NM_139318.5(KCNH5):c.1927C>T (p.Arg643Trp)

Gene: KCNH5 (potassium voltage-gated channel subfamily H member 5; minus strand). Cytogenetic location: 14q23.2.
Variant type: single nucleotide variant.
Coding change: c.1927C>T on transcript NM_139318.5 (MANE Select); coding-DNA position 1927, C replaced by T.
Protein change: p.Arg643Trp; replaces arginine 643 with tryptophan.
Molecular consequence: missense variant. On other transcripts: intron variant (1).
Genome position (GRCh38, 1-based): chr14:62,779,820, G>A on the plus strand (C>T on the coding strand, the complement: KCNH5 is on the minus strand). VCF-style: chr14-62779820-G-A. GRCh37 (hg19) VCF-style: chr14-63246538-G-A.
Other names: c.1822+22509C>T (NM_172375.3); c.1927C>T (NM_139318.3); short protein forms R643W.
Identifiers: ClinVar variation 2904385 (VCV002904385.4), dbSNP rs771984476, ClinGen allele CA7217380.

ClinVar aggregate classification (germline): Uncertain significance. Review status: criteria provided, multiple submitters, no conflicts (2 of 4 stars). 2 submissions from 2 submitters: Uncertain significance (2). Last evaluated 2025-11-12.

Conditions:
Early-infantile DEE. Also called: Early infantile epileptic encephalopathy; Ohtahara syndrome; Early infantile epileptic encephalopathy with suppression bursts. Identifiers: Orphanet 1934, MedGen C0393706, MONDO:0800491.
Inborn genetic diseases. Identifiers: MedGen C0950123, MeSH D030342.

Allele frequency attached by ClinVar (database versions not stated): ExAC 0.00002; gnomAD 0.00004.
gnomAD v4.1: 38 of 1,613,828 alleles (0.0024%); highest among the groups gnomAD compares: Non-Finnish European, 0.0027%; no homozygotes.

Submissions (2):

Labcorp Genetics (formerly Invitae), Labcorp
Classification: Uncertain significance for Early-infantile DEE. Last evaluated: 2025-11-12. Review status: criteria provided, single submitter. Criteria: Invitae Variant Classification Sherloc (09022015). Collection method: clinical testing. Allele origin: germline.
Comment: This sequence change replaces arginine, which is basic and polar, with tryptophan, which is neutral and slightly polar, at codon 643 of the KCNH5 protein (p.Arg643Trp). This variant is present in population databases (rs771984476, gnomAD 0.008%). This variant has not been reported in the literature in individuals affected with KCNH5-related conditions. ClinVar contains an entry for this variant (Variation ID: 2904385). An algorithm developed to predict the effect of missense changes on protein structure and function (PolyPhen-2) suggests that this variant is likely to be disruptive. In summary, the available evidence is currently insufficient to determine the role of this variant in disease. Therefore, it has been classified as a Variant of Uncertain Significance.

Ambry Genetics
Classification: Uncertain significance for Inborn genetic diseases. Last evaluated: 2024-12-25. Review status: criteria provided, single submitter. Criteria: Ambry Variant Classification Scheme 2023. Collection method: clinical testing. Allele origin: germline.